The following is an entry in ClinVar:

NM_000186.4(CFH):c.1352C>G (p.Ser451Ter)

Gene: CFH (complement factor H; plus strand). Cytogenetic location: 1q31.3.
Variant type: single nucleotide variant.
Coding change: c.1352C>G on transcript NM_000186.4 (MANE Select); coding-DNA position 1352, C replaced by G.
Protein change: p.Ser451Ter; replaces serine 451 with a stop codon.
Molecular consequence: nonsense.
Genome position (GRCh38, 1-based): chr1:196,713,750, C>G. VCF-style: chr1-196713750-C-G. GRCh37 (hg19) VCF-style: chr1-196682880-C-G.
Other names: short protein forms S451*.
Identifiers: ClinVar variation 2017582 (VCV002017582.4), dbSNP rs2529466865, ClinGen allele CA343981571.

ClinVar aggregate classification (germline): Pathogenic (1 of 4 stars; one submission).

Allele frequency attached by ClinVar (database versions not stated): gnomAD exomes below 0.00001.
gnomAD v4.1: 1 of 1,588,338 alleles (0.000063%); highest among the groups gnomAD compares: South Asian, 0.0011%; no homozygotes.

Submission:

Labcorp Genetics (formerly Invitae), Labcorp
Classification: Pathogenic. Last evaluated: 2022-10-31. Review status: criteria provided, single submitter. Criteria: Invitae Variant Classification Sherloc (09022015). Collection method: clinical testing. Allele origin: germline.
Comment: This variant is not present in population databases (gnomAD no frequency). This sequence change creates a premature translational stop signal (p.Ser451*) in the CFH gene. It is expected to result in an absent or disrupted protein product. Loss-of-function variants in CFH are known to be pathogenic (PMID: 11170896, 14978182, 16621965, 23870792, 25188723). This variant has not been reported in the literature in individuals affected with CFH-related conditions. For these reasons, this variant has been classified as Pathogenic.

Literature cited by the submitters: PubMed 11170896; PubMed 14978182; PubMed 16621965; PubMed 23870792; PubMed 25188723.